The following is an entry in ClinVar:

ClinVar aggregate classification (germline): Likely pathogenic (1 of 4 stars; one submission).

Conditions:
Dilated cardiomyopathy 1G (CMD1G). Identifiers: Orphanet 154, MedGen C1858763, MONDO:0011400, OMIM 604145.
Autosomal recessive limb-girdle muscular dystrophy type 2J (LGMDR10). Also called: MUSCULAR DYSTROPHY, LIMB-GIRDLE, AUTOSOMAL RECESSIVE 10; Limb-girdle muscular dystrophy, type 2J. Identifiers: Orphanet 140922, MedGen C1837342, MONDO:0012127, OMIM 608807.

Submission:

Labcorp Genetics (formerly Invitae), Labcorp
Classification: Likely pathogenic for Dilated cardiomyopathy 1G; Autosomal recessive limb-girdle muscular dystrophy type 2J. Last evaluated: 2024-10-18. Review status: criteria provided, single submitter. Criteria: Invitae Variant Classification Sherloc (09022015). Collection method: clinical testing. Allele origin: germline.
Comment: This sequence change creates a premature translational stop signal (p.Gly15074Glufs*6) in the TTN gene. While this is not anticipated to result in nonsense mediated decay, it is expected to create a truncated TTN protein. This variant is not present in population databases (gnomAD no frequency). This variant has not been observed in the literature in individuals with autosomal recessive TTN-related conditions. This variant has been reported in individual(s) with autosomal dominant dilated cardiomyopathy (internal data); however, the role of the variant in this condition is currently unclear. ClinVar contains an entry for this variant (Variation ID: 864464). This variant is located in the I band of TTN (PMID: 25589632). Truncating variants in this region have been reported in individuals affected with autosomal recessive centronuclear myopathy (PMID: 23975875, internal data). Truncating variants in this region have also been identified in individuals affected with autosomal dominant dilated cardiomyopathy and/or cardio-related conditions (PMID: 27869827, 32964742, internal data). In summary, the currently available evidence indicates that the variant is pathogenic, but additional data are needed to prove that conclusively. Therefore, this variant has been classified as Likely Pathogenic.

Literature cited by the submitters: PubMed 25589632; PubMed 23975875; PubMed 27869827; PubMed 32964742.

NM_001267550.2(TTN):c.45221del (p.Gly15074fs)

Genes: TTN (titin; minus strand), LOC126806427 (BRD4-independent group 4 enhancer GRCh37_chr2:179485777-179486976; plus strand). Cytogenetic location: 2q31.2.
Variant type: Deletion.
Coding change: c.45221del on transcript NM_001267550.2 (MANE Select); coding-DNA position 45221, one base deleted (G; older notation c.45221delG).
Protein change: p.Gly15074fs; shifts the reading frame from glycine 15074.
Molecular consequence: frameshift variant.
Genome position (GRCh38, 1-based): chr2:178,621,603, C deleted on the plus strand (G on the coding strand, the reverse complement: TTN is on the minus strand); the first of 2 consecutive C bases (chr2:178,621,603-178,621,604); deleting either gives the same sequence. VCF-style (leftmost placement, unchanged base first): chr2-178621602-TC-T. GRCh37 (hg19) VCF-style: chr2-179486329-TC-T.
Other names: c.40298del, p.Gly13433fs (NM_001256850.1); c.18026del, p.Gly6009fs (NM_003319.4); c.37517del, p.Gly12506fs (NM_133378.4); c.18401del, p.Gly6134fs (NM_133432.3); c.18602del, p.Gly6201fs (NM_133437.4); short protein forms G6009fs, G6134fs, G12506fs, G13433fs, G15074fs, G6201fs.
Identifiers: ClinVar variation 864464 (VCV000864464.10), dbSNP rs2058288753, ClinGen allele CA916081349.
Genomic context (GRCh38, chr2:178,621,602, plus strand): 5'-AAGGTGAGCGTTCTGAATGACCAGGATTCTCTTCCGTCCTTCAGTCAGTATTTCATATCT[TC>T]CTGTTTCAATGATCTCCTCATCCCCTTTATACCAAATCACTTCTGCGCCAGGTTTGGAGA-3'